The following is an entry in ClinVar:

NM_006343.3(MERTK):c.497A>G (p.Gln166Arg)

Gene: MERTK (MER proto-oncogene, tyrosine kinase; plus strand). Cytogenetic location: 2q13.
Variant type: single nucleotide variant.
Coding change: c.497A>G on transcript NM_006343.3 (MANE Select); coding-DNA position 497, A replaced by G.
Protein change: p.Gln166Arg; replaces glutamine 166 with arginine.
Molecular consequence: missense variant.
Genome position (GRCh38, 1-based): chr2:111,944,974, A>G. VCF-style: chr2-111944974-A-G. GRCh37 (hg19) VCF-style: chr2-112702551-A-G.
Other names: c.497A>G (NM_006343.2); short protein forms Q166R.
Identifiers: ClinVar variation 1046590 (VCV001046590.7), dbSNP rs751775589, ClinGen allele CA1831059.

ClinVar aggregate classification (germline): Uncertain significance. Review status: criteria provided, multiple submitters, no conflicts (2 of 4 stars). 2 submissions from 2 submitters: Uncertain significance (2). Last evaluated 2025-08-21.

Conditions:
Inborn genetic diseases. Identifiers: MedGen C0950123, MeSH D030342.

Allele frequency attached by ClinVar (database versions not stated): ExAC 0.00001; gnomAD exomes 0.00003.
gnomAD v4.1: 7 of 1,613,370 alleles (0.00043%); highest among the groups gnomAD compares: Admixed American, 0.012%; no homozygotes.

Submissions (2):

Ambry Genetics
Classification: Uncertain significance for Inborn genetic diseases. Last evaluated: 2025-08-21. Review status: criteria provided, single submitter. Criteria: Ambry Variant Classification Scheme 2023. Collection method: clinical testing. Allele origin: germline.

Labcorp Genetics (formerly Invitae), Labcorp
Classification: Uncertain significance. Last evaluated: 2022-03-19. Review status: criteria provided, single submitter. Criteria: Invitae Variant Classification Sherloc (09022015). Collection method: clinical testing. Allele origin: germline.
Comment: In summary, the available evidence is currently insufficient to determine the role of this variant in disease. Therefore, it has been classified as a Variant of Uncertain Significance. Algorithms developed to predict the effect of missense changes on protein structure and function output the following: SIFT: "Deleterious"; PolyPhen-2: "Possibly Damaging"; Align-GVGD: "Class C35". The arginine amino acid residue is found in multiple mammalian species, which suggests that this missense change does not adversely affect protein function. ClinVar contains an entry for this variant (Variation ID: 1046590). This variant has not been reported in the literature in individuals affected with MERTK-related conditions. This variant is present in population databases (rs751775589, gnomAD 0.02%). This sequence change replaces glutamine, which is neutral and polar, with arginine, which is basic and polar, at codon 166 of the MERTK protein (p.Gln166Arg).